The following is an entry in ClinVar:

NM_014780.5(CUL7):c.3436T>C (p.Cys1146Arg)

Gene: CUL7 (cullin 7; minus strand). Cytogenetic location: 6p21.1.
Variant type: single nucleotide variant.
Coding change: c.3436T>C on transcript NM_014780.5 (MANE Select); coding-DNA position 3436, T replaced by C.
Protein change: p.Cys1146Arg; replaces cysteine 1146 with arginine.
Molecular consequence: missense variant.
Genome position (GRCh38, 1-based): chr6:43,043,100, A>G on the plus strand (T>C on the coding strand, the complement: CUL7 is on the minus strand). VCF-style: chr6-43043100-A-G. GRCh37 (hg19) VCF-style: chr6-43010838-A-G.
Other names: c.3532T>C, p.Cys1178Arg (NM_001168370.2, NM_001374872.1); c.3436T>C, p.Cys1146Arg (NM_001374873.1); c.3433T>C, p.Cys1145Arg (NM_001374874.1); short protein forms C1146R, C1145R, C1178R.
Identifiers: ClinVar variation 418150 (VCV000418150.2), dbSNP rs1064793092, ClinGen allele CA16618289.

ClinVar aggregate classification (germline): Likely pathogenic (1 of 4 stars; one submission).

Allele frequency attached by ClinVar (database versions not stated): gnomAD exomes below 0.00001.

Submission:

GeneDx
Classification: Likely pathogenic. Last evaluated: 2018-05-02. Review status: criteria provided, single submitter. Criteria: GeneDx Variant Classification (06012015). Collection method: clinical testing. Allele origin: germline. Affected: yes.
Comment: The C1146R variant in the CUL7 gene has not been reported previously as a pathogenic variant, nor as a benign variant, to our knowledge. The C1146R variant is not observed in large population cohorts (Lek et al., 2016; 1000 Genomes Consortium et al., 2015; Exome Variant Server). The C1146R variant is a non-conservative amino acid substitution, which is likely to impact secondary protein structure as these residues differ in polarity, charge, size and/or other properties. This substitution occurs at a position that is conserved across species, and in silico analysis predicts this variant is probably damaging to the protein structure/function. We interpret C1146R as a likely pathogenic variant.